The following is an entry in ClinVar:

ClinVar aggregate classification (germline): Uncertain significance. Review status: criteria provided, multiple submitters, no conflicts (2 of 4 stars). 2 submissions from 2 submitters: Uncertain significance (2). Last evaluated 2025-10-09.

Conditions:
Inborn genetic diseases. Identifiers: MedGen C0950123, MeSH D030342.

gnomAD v4.1: 33 of 1,613,984 alleles (0.002%); highest among the groups gnomAD compares: East Asian, 0.0067%; no homozygotes.

Submissions (2):

Women's Health and Genetics/Laboratory Corporation of America, LabCorp
Classification: Uncertain significance. Last evaluated: 2025-10-09. Review status: criteria provided, single submitter. Criteria: LabCorp Variant Classification Summary - May 2015. Collection method: clinical testing. Allele origin: germline.
Comment: Variant summary: KIF21A c.1097A>G (p.Asn366Ser) results in a conservative amino acid change in the encoded protein sequence. Algorithms developed to predict the effect of missense changes on protein structure and function are either unavailable or do not agree on the potential impact of this missense change. The variant allele was found at a frequency of 2.4e-05 in 251436 control chromosomes. The available data on variant occurrences in the general population are insufficient to allow any conclusion about variant significance. To our knowledge, no occurrence of c.1097A>G in individuals affected with KIF21A-related conditions and no experimental evidence demonstrating its impact on protein function have been reported. ClinVar contains an entry for this variant (Variation ID: 3534156). Based on the evidence outlined above, the variant was classified as uncertain significance.

Ambry Genetics
Classification: Uncertain significance for Inborn genetic diseases. Last evaluated: 2024-12-10. Review status: criteria provided, single submitter. Criteria: Ambry Variant Classification Scheme 2023. Collection method: clinical testing. Allele origin: germline.

NM_001173464.2(KIF21A):c.1097A>G (p.Asn366Ser)

Gene: KIF21A (kinesin family member 21A; minus strand). Cytogenetic location: 12q12.
Variant type: single nucleotide variant.
Coding change: c.1097A>G on transcript NM_001173464.2 (MANE Select); coding-DNA position 1097, A replaced by G.
Protein change: p.Asn366Ser; replaces asparagine 366 with serine.
Molecular consequence: missense variant.
Genome position (GRCh38, 1-based): chr12:39,358,296, T>C on the plus strand (A>G on the coding strand, the complement: KIF21A is on the minus strand). VCF-style: chr12-39358296-T-C. GRCh37 (hg19) VCF-style: chr12-39752098-T-C.
Other names: c.1097A>G, p.Asn366Ser (NM_001173463.2, NM_001173465.2, NM_001378439.1 and 3 more transcripts); short protein forms N366S.
Identifiers: ClinVar variation 3534156 (VCV003534156.2).